The following is an entry in ClinVar:

ClinVar aggregate classification (germline): Uncertain significance (1 of 4 stars; one submission).

gnomAD v4.1: 1 of 1,614,004 alleles (0.000062%); highest among the groups gnomAD compares: East Asian, 0.0022%; no homozygotes.

Submission:

Labcorp Genetics (formerly Invitae), Labcorp
Classification: Uncertain significance. Last evaluated: 2024-12-10. Review status: criteria provided, single submitter. Criteria: Invitae Variant Classification Sherloc (09022015). Collection method: clinical testing. Allele origin: germline.
Comment: This sequence change replaces valine, which is neutral and non-polar, with leucine, which is neutral and non-polar, at codon 251 of the KIAA1549 protein (p.Val251Leu). This variant is present in population databases (no rsID available, gnomAD 0.006%). This variant has not been reported in the literature in individuals affected with KIAA1549-related conditions. ClinVar contains an entry for this variant (Variation ID: 1952179). An algorithm developed to predict the effect of missense changes on protein structure and function outputs the following: PolyPhen-2: "Probably Damaging". The leucine amino acid residue is found in multiple mammalian species, which suggests that this missense change does not adversely affect protein function. In summary, the available evidence is currently insufficient to determine the role of this variant in disease. Therefore, it has been classified as a Variant of Uncertain Significance.

NM_001164665.2(KIAA1549):c.751G>C (p.Val251Leu)

Gene: KIAA1549 (KIAA1549; minus strand). Cytogenetic location: 7q34.
Variant type: single nucleotide variant.
Coding change: c.751G>C on transcript NM_001164665.2 (MANE Select); coding-DNA position 751, G replaced by C.
Protein change: p.Val251Leu; replaces valine 251 with leucine.
Molecular consequence: missense variant.
Genome position (GRCh38, 1-based): chr7:138,918,875, C>G on the plus strand (G>C on the coding strand, the complement: KIAA1549 is on the minus strand). VCF-style: chr7-138918875-C-G. GRCh37 (hg19) VCF-style: chr7-138603621-C-G.
Other names: c.751G>C, p.Val251Leu (NM_020910.3); short protein forms V251L.
Identifiers: ClinVar variation 1952179 (VCV001952179.5), dbSNP rs1200936464, ClinGen allele CA369402001.